The following is an entry in ClinVar:

ClinVar aggregate classification (germline): Uncertain significance (1 of 4 stars; one submission).

Conditions:
Hereditary cancer-predisposing syndrome. Also called: Neoplastic Syndromes, Hereditary; Tumor predisposition; Hereditary Cancer Syndrome; Hereditary neoplastic syndrome. Identifiers: Orphanet 140162, MedGen C0027672, MeSH D009386, MONDO:0015356.

Submission:

Ambry Genetics
Classification: Uncertain significance for Hereditary cancer-predisposing syndrome. Last evaluated: 2021-09-16. Review status: criteria provided, single submitter. Criteria: Ambry Variant Classification Scheme 2023. Collection method: clinical testing. Allele origin: germline.
Comment: The p.H256P variant (also known as c.767A>C), located in coding exon 7 of the FANCC gene, results from an A to C substitution at nucleotide position 767. The histidine at codon 256 is replaced by proline, an amino acid with similar properties. This amino acid position is conserved. In addition, the in silico prediction for this alteration is inconclusive. Since supporting evidence is limited at this time, the clinical significance of this alteration remains unclear.

NM_000136.3(FANCC):c.767A>C (p.His256Pro)

Genes: FANCC (FA complementation group C; minus strand), AOPEP (aminopeptidase O (putative); plus strand). Cytogenetic location: 9q22.32.
Variant type: single nucleotide variant.
Coding change: c.767A>C on transcript NM_000136.3 (MANE Select); coding-DNA position 767, A replaced by C.
Protein change: p.His256Pro; replaces histidine 256 with proline.
Molecular consequence: missense variant.
Genome position (GRCh38, 1-based): chr9:95,135,422, T>G on the plus strand (A>C on the coding strand, the complement: FANCC is on the minus strand). VCF-style: chr9-95135422-T-G. GRCh37 (hg19) VCF-style: chr9-97897704-T-G.
Other names: c.767A>C, p.His256Pro (NM_001243743.2, NM_001243744.2); short protein forms H256P.
Identifiers: ClinVar variation 1760094 (VCV001760094.2), dbSNP rs730881716, ClinGen allele CA374109332.
Genomic context (GRCh38, chr9:95,135,422, plus strand): 5'-ATAAAGCATTCGATCCTTCTCAGACAATTTCTCTCACTGGAGATTAGCTTTTCAAAAAGA[T>G]GCAGCATTGCTTTTTCAAGGCTGGGAAGGTGCCGAAGCCAGAGGCAGACTACAGCTGACA-3'
Protein context (NP_000127.2, residues 246-266): HLPSLEKAML[His256Pro]LFEKLISSER